The following is an entry in ClinVar:

NM_006267.5(RANBP2):c.5995G>T (p.Asp1999Tyr)

Gene: RANBP2 (RAN binding protein 2; plus strand). Cytogenetic location: 2q13.
Variant type: single nucleotide variant.
Coding change: c.5995G>T on transcript NM_006267.5 (MANE Select); coding-DNA position 5995, G replaced by T.
Protein change: p.Asp1999Tyr; replaces aspartic acid 1999 with tyrosine.
Molecular consequence: missense variant.
Genome position (GRCh38, 1-based): chr2:108,766,534, G>T. VCF-style: chr2-108766534-G-T. GRCh37 (hg19) VCF-style: chr2-109382990-G-T.
Other names: short protein forms D1999Y.
Identifiers: ClinVar variation 1474438 (VCV001474438.9), dbSNP rs779917838, ClinGen allele CA1823380.

ClinVar aggregate classification (germline): Uncertain significance (1 of 4 stars; one submission).

Conditions:
Familial acute necrotizing encephalopathy (IIAE3). Also called: ENCEPHALOPATHY, ACUTE, INFECTION-INDUCED, SUSCEPTIBILITY TO, 3; Susceptibility to Acute Necrotizing Encephalopathy 1. Identifiers: Orphanet 88619, MedGen C2675556, MONDO:0011953, OMIM 608033.

Allele frequency attached by ClinVar (database versions not stated): TOPMed below 0.00001; gnomAD 0.00001; ExAC 0.00002.
gnomAD v4.1: 7 of 1,611,836 alleles (0.00043%); highest among the groups gnomAD compares: South Asian, 0.0066%; no homozygotes.

Submission:

Labcorp Genetics (formerly Invitae), Labcorp
Classification: Uncertain significance for Familial acute necrotizing encephalopathy. Last evaluated: 2022-12-06. Review status: criteria provided, single submitter. Criteria: Invitae Variant Classification Sherloc (09022015). Collection method: clinical testing. Allele origin: germline.
Comment: This sequence change replaces aspartic acid, which is acidic and polar, with tyrosine, which is neutral and polar, at codon 1999 of the RANBP2 protein (p.Asp1999Tyr). This variant is present in population databases (rs779917838, gnomAD 0.01%). In summary, the available evidence is currently insufficient to determine the role of this variant in disease. Therefore, it has been classified as a Variant of Uncertain Significance. Advanced modeling of protein sequence and biophysical properties (such as structural, functional, and spatial information, amino acid conservation, physicochemical variation, residue mobility, and thermodynamic stability) performed at Invitae indicates that this missense variant is not expected to disrupt RANBP2 protein function. ClinVar contains an entry for this variant (Variation ID: 1474438). This variant has not been reported in the literature in individuals affected with RANBP2-related conditions.